The following is an entry in ClinVar:

NM_001378969.1(KCND3):c.519C>G (p.Phe173Leu)

Gene: KCND3 (potassium voltage-gated channel subfamily D member 3; minus strand). Cytogenetic location: 1p13.2.
Variant type: single nucleotide variant.
Coding change: c.519C>G on transcript NM_001378969.1 (MANE Select); coding-DNA position 519, C replaced by G.
Protein change: p.Phe173Leu; replaces phenylalanine 173 with leucine.
Molecular consequence: missense variant.
Genome position (GRCh38, 1-based): chr1:111,982,208, G>C on the plus strand (C>G on the coding strand, the complement: KCND3 is on the minus strand). VCF-style: chr1-111982208-G-C. GRCh37 (hg19) VCF-style: chr1-112524830-G-C.
Other names: c.519C>G, p.Phe173Leu (NM_001378970.1, NM_004980.5, NM_172198.3); short protein forms F173L.
Identifiers: ClinVar variation 3862708 (VCV003862708.1).

ClinVar aggregate classification (germline): Uncertain significance (1 of 4 stars; one submission).

Conditions:
Cardiovascular phenotype. Identifiers: MedGen CN230736.

gnomAD v4.1: 1 of 1,613,946 alleles (0.000062%); highest among the groups gnomAD compares: African/African-American, 0.0013%; no homozygotes.

Submission:

Ambry Genetics
Classification: Uncertain significance for Cardiovascular phenotype. Last evaluated: 2025-03-13. Review status: criteria provided, single submitter. Criteria: Ambry Variant Classification Scheme 2023. Collection method: clinical testing. Allele origin: germline.
Comment: The p.F173L variant (also known as c.519C>G), located in coding exon 1 of the KCND3 gene, results from a C to G substitution at nucleotide position 519. The phenylalanine at codon 173 is replaced by leucine, an amino acid with highly similar properties. This amino acid position is conserved. In addition, this alteration is predicted to be deleterious by in silico analysis. Based on the available evidence, the clinical significance of this variant remains unclear.